The following is an entry in ClinVar:

NM_001375524.1(TRRAP):c.8155C>T (p.His2719Tyr)

Gene: TRRAP (transformation/transcription domain associated protein; plus strand). Cytogenetic location: 7q22.1.
Variant type: single nucleotide variant.
Coding change: c.8155C>T on transcript NM_001375524.1 (MANE Select); coding-DNA position 8155, C replaced by T.
Protein change: p.His2719Tyr; replaces histidine 2719 with tyrosine.
Molecular consequence: missense variant.
Genome position (GRCh38, 1-based): chr7:98,976,678, C>T. VCF-style: chr7-98976678-C-T. GRCh37 (hg19) VCF-style: chr7-98574301-C-T.
Other names: c.8134C>T, p.His2712Tyr (NM_001244580.2); c.8080C>T, p.His2694Tyr (NM_003496.4); short protein forms H2694Y, H2712Y, H2719Y.
Identifiers: ClinVar variation 2657709 (VCV002657709.24), dbSNP rs2484948266, ClinGen allele CA368303834.

ClinVar aggregate classification (germline): Uncertain significance (1 of 4 stars; one submission).

Submission:

CeGaT Center for Human Genetics Tuebingen
Classification: Uncertain significance. Last evaluated: 2023-04-01. Review status: criteria provided, single submitter. Criteria: CeGaT Center For Human Genetics Tuebingen Variant Classification Criteria Version 2. Collection method: clinical testing. Allele origin: germline. Affected: yes. Observed: 1 variant allele.
Comment: TRRAP: PM2